The following is an entry in ClinVar:

ClinVar aggregate classification (germline): Uncertain significance. Review status: criteria provided, multiple submitters, no conflicts (2 of 4 stars). 3 submissions from 3 submitters: Uncertain significance (2). 1 of the submissions does not count toward it. Last evaluated 2024-08-05.

Conditions:
Inborn genetic diseases. Identifiers: MedGen C0950123, MeSH D030342.
HSD3B7-related disorder. Also called: HSD3B7-related condition.

Allele frequency attached by ClinVar (database versions not stated): ExAC 0.00010; gnomAD exomes 0.00010 and 0.00023; gnomAD 0.00011; TOPMed 0.00012; ESP Exome Variant Server 0.00015.
gnomAD v4.1: 346 of 1,608,484 alleles (0.022%); highest among the groups gnomAD compares: Non-Finnish European, 0.028%; no homozygotes.

Submissions (4):

Ambry Genetics
Classification: Uncertain significance for Inborn genetic diseases. Last evaluated: 2024-08-05. Review status: criteria provided, single submitter. Criteria: Ambry Variant Classification Scheme 2023. Collection method: clinical testing. Allele origin: germline.

Eurofins Ntd Llc (ga)
Classification: Uncertain significance. Last evaluated: 2017-05-31. Review status: criteria provided, single submitter. Criteria: EGL Classification Definitions 2015. Collection method: clinical testing. Allele origin: germline. Observed: 1 variant allele, 1 heterozygote.

PreventionGenetics, part of Exact Sciences
Classification: Uncertain significance for HSD3B7-related condition. Last evaluated: 2024-06-28. Review status: no assertion criteria provided. Collection method: clinical testing. Allele origin: germline. Not counted in ClinVar's aggregate classification.
Comment: The HSD3B7 c.40G>T variant is predicted to result in the amino acid substitution p.Val14Phe. To our knowledge, this variant has not been reported in the literature. This variant is reported in 0.021% of alleles in individuals of European (non-Finnish) descent in gnomAD. At this time, the clinical significance of this variant is uncertain due to the absence of conclusive functional and genetic evidence.

Dr. Peter K. Rogan Lab, Western University
No classification provided (evidence only). Condition: Cervical cancer. Review status: no classification provided. Collection method: in vitro. Allele origin: not applicable. Functional consequence: skipped exon. Not counted in ClinVar's aggregate classification.

NM_025193.4(HSD3B7):c.40G>T (p.Val14Phe)

Gene: HSD3B7 (hydroxy-delta-5-steroid dehydrogenase, 3 beta- and steroid delta-isomerase 7; plus strand). Cytogenetic location: 16p11.2.
Variant type: single nucleotide variant.
Coding change: c.40G>T on transcript NM_025193.4 (MANE Select); coding-DNA position 40, G replaced by T.
Protein change: p.Val14Phe; replaces valine 14 with phenylalanine.
Molecular consequence: missense variant.
Genome position (GRCh38, 1-based): chr16:30,985,698, G>T. VCF-style: chr16-30985698-G-T. GRCh37 (hg19) VCF-style: chr16-30997019-G-T.
Other names: NC_000016.9:g.30997019G>T; c.40G>T, p.Val14Phe (NM_001142777.2, NM_001142778.2); c.40G>T (NM_025193.3); short protein forms V14F.
Identifiers: ClinVar variation 502323 (VCV000502323.10), dbSNP rs374469295, ClinGen allele CA8017835.
Genomic context (GRCh38, chr16:30,985,698, plus strand): 5'-AGGTCTCTTCCCCAGCCAGGCATGGCCGACTCTGCACAGGCCCAGAAGCTGGTGTACCTG[G>T]TCACAGGGGGCTGTGGCTTCCTGGGAGAGCACGTGGTGCGAATGCTGCTGCAGCGGGAGC-3'
Protein context (NP_079469.2, residues 4-24): SAQAQKLVYL[Val14Phe]TGGCGFLGEH